The following is an entry in ClinVar:

ClinVar aggregate classification (germline): Uncertain significance (1 of 4 stars; one submission).

Allele frequency attached by ClinVar (database versions not stated): gnomAD 0.00001; TOPMed 0.00001.
gnomAD v4.1: 1 of 1,210,392 alleles (0.000083%); highest among the groups gnomAD compares: African/African-American, 0.0017%; no homozygotes.

Submission:

GeneDx
Classification: Uncertain significance. Last evaluated: 2022-05-19. Review status: criteria provided, single submitter. Criteria: GeneDx Variant Classification Process June 2021. Collection method: clinical testing. Allele origin: germline. Affected: yes.
Comment: Has not been previously published as pathogenic or benign to our knowledge; In silico analysis supports that this missense variant has a deleterious effect on protein structure/function

NM_001368397.1(FRMPD4):c.959G>A (p.Arg320Gln)

Gene: FRMPD4 (FERM and PDZ domain containing 4; plus strand). Cytogenetic location: Xp22.2.
Variant type: single nucleotide variant.
Coding change: c.959G>A on transcript NM_001368397.1 (MANE Select); coding-DNA position 959, G replaced by A.
Protein change: p.Arg320Gln; replaces arginine 320 with glutamine.
Molecular consequence: missense variant.
Genome position (GRCh38, 1-based): chrX:12,701,899, G>A. VCF-style: chrX-12701899-G-A. GRCh37 (hg19) VCF-style: chrX-12720018-G-A.
Other names: c.1070G>A, p.Arg357Gln (NM_001368395.3, NM_001368398.3); c.965G>A, p.Arg322Gln (NM_001368396.3); c.950G>A, p.Arg317Gln (NM_001368399.3); c.839G>A, p.Arg280Gln (NM_001368400.3); c.935G>A, p.Arg312Gln (NM_001368401.1, NM_001368402.3); c.959G>A, p.Arg320Gln (NM_014728.3); short protein forms R280Q, R312Q, R317Q, R320Q, R322Q, R357Q.
Identifiers: ClinVar variation 1686688 (VCV001686688.2), dbSNP rs1339078580, ClinGen allele CA412008355.